The following is an entry in ClinVar:

ClinVar aggregate classification (germline): Conflicting classifications of pathogenicity. Review status: criteria provided, conflicting classifications (1 of 4 stars). 3 submissions from 3 submitters: Uncertain significance (1); Likely benign (2). Last evaluated 2023-12-04.

Conditions:
Cardiovascular phenotype. Identifiers: MedGen CN230736.

Allele frequency attached by ClinVar (database versions not stated): gnomAD 0.00003; gnomAD exomes 0.00008 and 0.00017; TOPMed 0.00013; ExAC 0.00032.
gnomAD v4.1: 50 of 1,602,106 alleles (0.0031%); highest among the groups gnomAD compares: Admixed American, 0.081%; no homozygotes.

Submissions (3):

GeneDx
Classification: Uncertain significance. Last evaluated: 2023-12-04. Review status: criteria provided, single submitter. Criteria: GeneDx Variant Classification Process June 2021. Collection method: clinical testing. Allele origin: germline. Affected: yes.
Comment: In silico analysis supports that this missense variant has a deleterious effect on protein structure/function; Has not been previously published as pathogenic or benign to our knowledge

Ambry Genetics
Classification: Likely benign for Cardiovascular phenotype. Last evaluated: 2023-06-22. Review status: criteria provided, single submitter. Criteria: Ambry Variant Classification Scheme 2023. Collection method: clinical testing. Allele origin: germline.

Labcorp Genetics (formerly Invitae), Labcorp
Classification: Likely benign. Last evaluated: 2021-12-02. Review status: criteria provided, single submitter. Criteria: Invitae Variant Classification Sherloc (09022015). Collection method: clinical testing. Allele origin: germline.

NM_004444.5(EPHB4):c.2837A>G (p.Asp946Gly)

Gene: EPHB4 (EPH receptor B4; minus strand). Cytogenetic location: 7q22.1.
Variant type: single nucleotide variant.
Coding change: c.2837A>G on transcript NM_004444.5 (MANE Select); coding-DNA position 2837, A replaced by G.
Protein change: p.Asp946Gly; replaces aspartic acid 946 with glycine.
Molecular consequence: missense variant.
Genome position (GRCh38, 1-based): chr7:100,803,588, T>C on the plus strand (A>G on the coding strand, the complement: EPHB4 is on the minus strand). VCF-style: chr7-100803588-T-C. GRCh37 (hg19) VCF-style: chr7-100401210-T-C.
Other names: c.2837A>G (NM_004444.4); short protein forms D946G.
Identifiers: ClinVar variation 1584297 (VCV001584297.10), dbSNP rs780095931, ClinGen allele CA4392490.